The following is an entry in ClinVar:

ClinVar aggregate classification (germline): Likely pathogenic. Review status: reviewed by expert panel (3 of 4 stars). 8 submissions from 8 submitters: Likely pathogenic (1). 7 of the submissions do not count toward it. Last evaluated 2026-10-27.

Conditions:
Severe combined immunodeficiency, autosomal recessive, T cell-negative, B cell-negative, NK cell-negative, due to adenosine deaminase deficiency. Also called: ADA-SCID; SCID DUE TO ADA DEFICIENCY; SCID DUE TO ADA DEFICIENCY, EARLY-ONSET; ADA deficiency; Adenosine deaminase deficient severe combined immunodeficiency; Severe combined immunodeficiency due to ADA deficiency. Identifiers: Orphanet 277, MedGen C0392607, MONDO:0007064, OMIM 102700.

Allele frequency attached by ClinVar (database versions not stated): gnomAD 0.00001; gnomAD exomes 0.00001; TOPMed 0.00001.
gnomAD v4.1: 17 of 1,609,386 alleles (0.0011%); highest among the groups gnomAD compares: Non-Finnish European, 0.0014%; no homozygotes.

Submissions (8):

ClinGen Severe Combined Immunodeficiency Variant Curation Expert Panel, ClinGen
Classification: Likely pathogenic for Severe combined immunodeficiency, autosomal recessive, T cell-negative, B cell-negative, NK cell-negative, due to adenosine deaminase deficiency. Last evaluated: 2026-10-27. Review status: reviewed by expert panel. Criteria: ClinGen SCID ACMG Specifications ADA V2.2. Collection method: curation. Allele origin: germline. Inheritance: Autosomal recessive inheritance.
Comment: NM_000022.4(ADA):c.58G>A is a missense variant predicted to result in the substitution of glycine with arginine at amino acid 20 (p.Gly20Arg), in a conserved region involved in zinc binding at the catalytic site. The Grpmax filtering allele frequency of this variant is 0.0000088 ([ancestry group]) in gnomAD v4.1.1, which is lower than the ClinGen SCID VCEP threshold (<0.0001742) for PM2_Supporting for ADA, therefore meets this criterion (PM2_Supporting). No homozygotes have been observed. In unpublished data from M. Hershfield, expression of p.Gly20Arg in the ADA-deleted E. coli strain SØ3834 yielded <0.05% of wild-type ADA activity, consistent with Group I per the Arredondo-Vega classification (PS3_Moderate; PMID: 9758612). This variant has been detected in at least four individuals with ADA-SCID. One patient was compound heterozygous for c.58G>A and c.956_960del (p.Glu319GlyfsTer3), classified Pathogenic by the SCID-VCEP, with phase unknown (0.5 pt; PMID 41011036; possibly the same individual as Patient 39 in PMID 38355973, counted once). Total: 2.0 points, meeting PM3_Strong. Red blood cells from at least one patient with this variant who was diagnosed with SCID showed an elevated %dAXP of 46% along with absent ADA activity, which is highly specific for ADA-SCID (5 pts; unpublished data, M. Hershfield). Total: 5.0 points (PP4_Moderate). In summary, this variant meets the criteria to be classified as Likely Pathogenic for autosomal recessive severe combined immunodeficiency due to ADA deficiency based on the ACMG/AMP criteria applied, as specified by the ClinGen SCID VCEP: PM3_Strong, PS3_Moderate, PP4_Moderate, PM2_Supporting (VCEP specifications version 2.2).

Natera, Inc.
Classification: Likely pathogenic for Severe combined immunodeficiency due to ADA deficiency. Last evaluated: 2025-12-05. Review status: criteria provided, single submitter. Criteria: Natera Variant Classification Schema (03/2026). Collection method: clinical testing. Allele origin: germline. Not counted in ClinVar's aggregate classification.
Comment: The c.58G>A variant in ADA is a missense variant predicted to cause substitution of glycine to arginine at amino acid 20. This variant is rare in the general population with a frequency below the threshold expected for the associated phenotype(s). This variant has been observed in one or more individuals affected with the associated recessive disease, as either homozygous or compound heterozygous with a second variant (PMID: 41011036, 38355973, 35482138, 32445296). Functional studies show that this variant may disrupt protein function (PMID: 8299233). Computational prediction algorithms indicate this variant is likely to affect gene or protein function. Given the available evidence, this variant is classified as Likely Pathogenic.

Labcorp Genetics (formerly Invitae), Labcorp
Classification: Pathogenic for Severe combined immunodeficiency, autosomal recessive, T cell-negative, B cell-negative, NK cell-negative, due to adenosine deaminase deficiency. Last evaluated: 2024-10-13. Review status: criteria provided, single submitter. Criteria: Invitae Variant Classification Sherloc (09022015). Collection method: clinical testing. Allele origin: germline. Not counted in ClinVar's aggregate classification.
Comment: This sequence change replaces glycine, which is neutral and non-polar, with arginine, which is basic and polar, at codon 20 of the ADA protein (p.Gly20Arg). This variant is not present in population databases (gnomAD no frequency). This missense change has been observed in individual(s) with adenosine deaminase deficiency (PMID: 8299233, 32445296). ClinVar contains an entry for this variant (Variation ID: 68267). Invitae Evidence Modeling of protein sequence and biophysical properties (such as structural, functional, and spatial information, amino acid conservation, physicochemical variation, residue mobility, and thermodynamic stability) indicates that this missense variant is expected to disrupt ADA protein function with a positive predictive value of 80%. Experimental studies have shown that this missense change affects ADA function (PMID: 8299233). For these reasons, this variant has been classified as Pathogenic.

Department of Pathology and Laboratory Medicine, Sinai Health System
Classification: Likely pathogenic for Severe combined immunodeficiency, autosomal recessive, T cell-negative, B cell-negative, NK cell-negative, due to adenosine deaminase deficiency. Last evaluated: 2022-04-19. Review status: criteria provided, single submitter. Criteria: ACMG Guidelines, 2015. Collection method: research. Allele origin: germline. Not counted in ClinVar's aggregate classification.

Genome-Nilou Lab
Classification: Likely pathogenic for Severe combined immunodeficiency, autosomal recessive, T cell-negative, B cell-negative, NK cell-negative, due to adenosine deaminase deficiency. Last evaluated: 2021-08-10. Review status: criteria provided, single submitter. Criteria: ACMG Guidelines, 2015. Collection method: clinical testing. Allele origin: germline. Affected: no. Not counted in ClinVar's aggregate classification.

GeneDx
Classification: Likely pathogenic. Last evaluated: 2021-04-14. Review status: criteria provided, single submitter. Criteria: GeneDx Variant Classification Process June 2021. Collection method: clinical testing. Allele origin: germline. Affected: yes. Not counted in ClinVar's aggregate classification.
Comment: In silico analysis supports that this missense variant has a deleterious effect on protein structure/function; This variant is associated with the following publications: (PMID: 8299233, 32445296)

Counsyl
Classification: Uncertain significance for Severe combined immunodeficiency, autosomal recessive, T cell-negative, B cell-negative, NK cell-negative, due to adenosine deaminase deficiency. Last evaluated: 2018-03-16. Review status: no assertion criteria provided. Collection method: clinical testing. Allele origin: unknown. Not counted in ClinVar's aggregate classification.

UniProtKB/Swiss-Prot
No classification provided. Condition: Severe combined immunodeficiency due to ADA deficiency. Review status: no classification provided. Collection method: not provided. Allele origin: unknown. Not counted in ClinVar's aggregate classification.

Literature cited by the submitters: PubMed 41011036 (cited by Natera, Inc.); PubMed 38355973 (cited by Natera, Inc.); PubMed 35482138 (cited by Natera, Inc.); PubMed 32445296 (cited by Natera, Inc. and Labcorp Genetics (formerly Invitae), Labcorp); PubMed 8299233 (cited by 3 submitters).

NM_000022.4(ADA):c.58G>A (p.Gly20Arg)

Genes: ADA (adenosine deaminase; minus strand), LOC107303343 (adenosine deaminase intronic regulatory elements; plus strand). Cytogenetic location: 20q13.12.
Variant type: single nucleotide variant.
Coding change: c.58G>A on transcript NM_000022.4 (MANE Select); coding-DNA position 58, G replaced by A.
Protein change: p.Gly20Arg; replaces glycine 20 with arginine.
Molecular consequence: missense variant. On other transcripts: 5 prime UTR variant (1), non-coding transcript variant (1).
Genome position (GRCh38, 1-based): chr20:44,636,264, C>T on the plus strand (G>A on the coding strand, the complement: ADA is on the minus strand). VCF-style: chr20-44636264-C-T. GRCh37 (hg19) VCF-style: chr20-43264905-C-T.
Other names: NM_000022.4(ADA):c.58G>A; c.-232G>A (NM_001322050.2); c.58G>A, p.Gly20Arg (NM_001322051.2); c.58G>A (NM_000022.3); short protein forms G20R.
Identifiers: ClinVar variation 68267 (VCV000068267.20), dbSNP rs121908724, ClinGen allele CA266020.